The following is an entry in ClinVar:

NM_001134363.3(RBM20):c.1991C>T (p.Pro664Leu)

Gene: RBM20 (RNA binding motif protein 20; plus strand). Cytogenetic location: 10q25.2.
Variant type: single nucleotide variant.
Coding change: c.1991C>T on transcript NM_001134363.3 (MANE Select); coding-DNA position 1991, C replaced by T.
Protein change: p.Pro664Leu; replaces proline 664 with leucine.
Molecular consequence: missense variant.
Genome position (GRCh38, 1-based): chr10:110,812,388, C>T. VCF-style: chr10-110812388-C-T. GRCh37 (hg19) VCF-style: chr10-112572146-C-T.
Other names: short protein forms P664L.
Identifiers: ClinVar variation 4536553 (VCV004536553.1).

ClinVar aggregate classification (germline): Uncertain significance (1 of 4 stars; one submission).

gnomAD v4.1: 1 of 1,551,700 alleles (0.000064%); highest among the groups gnomAD compares: Non-Finnish European, 0.000087%; no homozygotes.

Submission:

GeneDx
Classification: Uncertain significance. Last evaluated: 2025-06-05. Review status: criteria provided, single submitter. Criteria: GeneDx Variant Classification Process June 2021. Collection method: clinical testing. Allele origin: germline. Affected: yes.
Comment: Not observed at significant frequency in large population cohorts (gnomAD); In silico analysis supports that this missense variant has a deleterious effect on protein structure/function; Has not been previously published as pathogenic or benign to our knowledge